The following is an entry in ClinVar:

NM_000083.3(CLCN1):c.2010_2011insT (p.Leu671fs)

Genes: CLCN1 (chloride voltage-gated channel 1; plus strand), LOC123956257 (Sharpr-MPRA regulatory region 4117; plus strand). Cytogenetic location: 7q34.
Variant type: Insertion.
Coding change: c.2010_2011insT on transcript NM_000083.3 (MANE Select); coding-DNA positions 2010 to 2011, T inserted.
Protein change: p.Leu671fs; shifts the reading frame from leucine 671.
Molecular consequence: frameshift variant. On other transcripts: non-coding transcript variant (1).
Genome position: GRCh38 VCF-style: chr7-143345600-G-GT. GRCh37 (hg19) VCF-style: chr7-143042693-G-GT.
Other names: short protein forms L671fs.
Identifiers: ClinVar variation 4783673 (VCV004783673.1).

ClinVar aggregate classification (germline): Pathogenic (1 of 4 stars; one submission).

Conditions:
Congenital myotonia, autosomal dominant form (THD). Also called: THOMSEN DISEASE; Myotonia congenita autosomal dominant. Identifiers: Orphanet 614, MedGen C2936781, MONDO:0008055, OMIM 160800.
Congenital myotonia, autosomal recessive form. Also called: BECKER DISEASE; Becker Generalized Myotonia; myotonia congenita, autosomal recessive. Identifiers: Orphanet 614, MedGen C0751360, MONDO:0009715, OMIM 255700.

Submission:

Labcorp Genetics (formerly Invitae), Labcorp
Classification: Pathogenic for Congenital myotonia, autosomal recessive form; Congenital myotonia, autosomal dominant form. Last evaluated: 2025-02-27. Review status: criteria provided, single submitter. Criteria: Invitae Variant Classification Sherloc (09022015). Collection method: clinical testing. Allele origin: germline.
Comment: This sequence change creates a premature translational stop signal (p.Leu671Serfs*43) in the CLCN1 gene. It is expected to result in an absent or disrupted protein product. Loss-of-function variants in CLCN1 are known to be pathogenic (PMID: 17932099, 22094069, 23739125). This variant is not present in population databases (gnomAD no frequency). This premature translational stop signal has been observed in individual(s) with clinical features of myotonia congenita (PMID: 23349086). Algorithms developed to predict the effect of sequence changes on RNA splicing suggest that this variant may disrupt the consensus splice site. For these reasons, this variant has been classified as Pathogenic.

Literature cited by the submitters: PubMed 17932099; PubMed 22094069; PubMed 23739125; PubMed 23349086.